The following is an entry in ClinVar:

ClinVar aggregate classification (germline): Uncertain significance (1 of 4 stars; one submission).

Conditions:
Long QT syndrome (LQTS). Identifiers: MedGen C0023976, MeSH D008133, MONDO:0002442. Disease mechanism: loss of function. Inheritance: Various modes of inheritance.

gnomAD v4.1: 1 of 1,567,826 alleles (0.000064%); highest among the groups gnomAD compares: African/African-American, 0.0013%; no homozygotes.

Submission:

All of Us Research Program, National Institutes of Health
Classification: Uncertain significance for Long QT syndrome. Last evaluated: 2024-08-06. Review status: criteria provided, single submitter. Criteria: ACMG Guidelines, 2015. Collection method: clinical testing. Allele origin: germline. Inheritance: Autosomal dominant inheritance. Observed: 1 variant allele, 1 heterozygote.
Comment: This study involves interpretation of variants in research participants for the purpose of population health screening. Participant phenotype was not available at the time of variant classification. Additional details can be found in publication PMID: 35346344, PMCID: PMC8962531

NM_000238.4(KCNH2):c.3025T>A (p.Tyr1009Asn)

Gene: KCNH2 (potassium voltage-gated channel subfamily H member 2; minus strand). Cytogenetic location: 7q36.1.
Variant type: single nucleotide variant.
Coding change: c.3025T>A on transcript NM_000238.4 (MANE Select); coding-DNA position 3025, T replaced by A.
Protein change: p.Tyr1009Asn; replaces tyrosine 1009 with asparagine.
Molecular consequence: missense variant. On other transcripts: non-coding transcript variant (2).
Genome position (GRCh38, 1-based): chr7:150,947,455, A>T on the plus strand (T>A on the coding strand, the complement: KCNH2 is on the minus strand). VCF-style: chr7-150947455-A-T. GRCh37 (hg19) VCF-style: chr7-150644543-A-T.
Other names: c.2737T>A, p.Tyr913Asn (NM_001406753.1); c.2005T>A, p.Tyr669Asn (NM_172057.3); short protein forms Y1009N, Y669N, Y913N.
Identifiers: ClinVar variation 3386881 (VCV003386881.1).